The following is an entry in ClinVar:

ClinVar aggregate classification (germline): Uncertain significance (1 of 4 stars; one submission).

Conditions:
DICER1-related tumor predisposition. Also called: DICER1-related pleuropulmonary blastoma cancer predisposition syndrome; DICER1 syndrome. Identifiers: Orphanet 284343, MedGen C3839822, MONDO:0100216.

Submission:

Labcorp Genetics (formerly Invitae), Labcorp
Classification: Uncertain significance for DICER1-related tumor predisposition. Last evaluated: 2017-06-16. Review status: criteria provided, single submitter. Criteria: Invitae Variant Classification Sherloc (09022015). Collection method: clinical testing. Allele origin: germline.
Comment: In summary, this variant has uncertain impact on DICER1 function. The available evidence is currently insufficient to determine its role in disease. Therefore, it has been classified as a Variant of Uncertain Significance. Algorithms developed to predict the effect of missense changes on protein structure and function do not agree on the potential impact of this missense change (SIFT: "deleterious"; PolyPhen-2: "Possibly Damaging"; Align-GVGD: "Class 15"). This variant has not been reported in the literature in individuals with a DICER1-related disease. This variant is not present in population databases (ExAC no frequency). This sequence change replaces glutamine with leucine at codon 339 of the DICER1 protein (p.Glu339Leu). The glutamine residue is highly conserved and there is a moderate physicochemical difference between glutamine and leucine.

NM_177438.3(DICER1):c.1015_1016delinsTT (p.Glu339Leu)

Gene: DICER1 (dicer 1, ribonuclease III; minus strand). Cytogenetic location: 14q32.13.
Variant type: Indel.
Coding change: c.1015_1016delinsTT on transcript NM_177438.3 (MANE Select); coding-DNA positions 1015 to 1016, GA replaced by TT.
Protein change: p.Glu339Leu; replaces glutamic acid 339 with leucine.
Molecular consequence: missense variant.
Genome position (GRCh38, 1-based): chr14:95,124,556-95,124,557, TC replaced by AA on the plus strand (GA replaced by TT on the coding strand, the reverse complement: DICER1 is on the minus strand). VCF-style: chr14-95124556-TC-AA. GRCh37 (hg19) VCF-style: chr14-95590893-TC-AA.
Other names: c.1015_1016delGAinsTT (NM_177438.2); c.1015_1016delinsTT, p.Glu339Leu (NM_001195573.1, NM_001271282.3, NM_001291628.2 and 1 more transcripts); short protein forms E339L.
Identifiers: ClinVar variation 477021 (VCV000477021.8), dbSNP rs1555374783, ClinGen allele CA658656457.